The following is an entry in ClinVar:

ClinVar aggregate classification (germline): Uncertain significance (1 of 4 stars; one submission).

Submission:

Ambry Genetics
Classification: Uncertain significance. Last evaluated: 2026-03-22. Review status: criteria provided, single submitter. Criteria: Ambry Variant Classification Scheme 2023. Collection method: clinical testing. Allele origin: germline.
Comment: The p.S606G variant (also known as c.1816A>G), located in coding exon 7 of the WNK2 gene, results from an A to G substitution at nucleotide position 1816. The serine at codon 606 is replaced by glycine, an amino acid with similar properties. This amino acid position is conserved. In addition, the in silico prediction for this alteration is inconclusive. Based on the available evidence, the clinical significance of this variant remains unclear.

NM_006648.4(WNK2):c.1816A>G (p.Ser606Gly)

Gene: WNK2 (WNK lysine deficient protein kinase 2; plus strand). Cytogenetic location: 9q22.31.
Variant type: single nucleotide variant.
Coding change: c.1816A>G on transcript NM_006648.4 (MANE Select); coding-DNA position 1816, A replaced by G.
Protein change: p.Ser606Gly; replaces serine 606 with glycine.
Molecular consequence: missense variant.
Genome position (GRCh38, 1-based): chr9:93,247,816, A>G. VCF-style: chr9-93247816-A-G. GRCh37 (hg19) VCF-style: chr9-96010098-A-G.
Other names: c.1816A>G, p.Ser606Gly (NM_001282394.3); short protein forms S606G.
Identifiers: ClinVar variation 4866534 (VCV004866534.1).